The following is an entry in ClinVar:

NM_001009999.3(KDM1A):c.244G>C (p.Gly82Arg)

Gene: KDM1A (lysine demethylase 1A; plus strand). Cytogenetic location: 1p36.12.
Variant type: single nucleotide variant.
Coding change: c.244G>C on transcript NM_001009999.3 (MANE Select); coding-DNA position 244, G replaced by C.
Protein change: p.Gly82Arg; replaces glycine 82 with arginine.
Molecular consequence: missense variant.
Genome position (GRCh38, 1-based): chr1:23,019,840, G>C. VCF-style: chr1-23019840-G-C. GRCh37 (hg19) VCF-style: chr1-23346333-G-C.
Other names: c.244G>C (NM_001009999.2); c.244G>C, p.Gly82Arg (NM_001363654.2, NM_001410762.1, NM_001410763.1 and 1 more transcripts); short protein forms G82R.
Identifiers: ClinVar variation 1994718 (VCV001994718.5), dbSNP rs2522472766, ClinGen allele CA338951863.

ClinVar aggregate classification (germline): Uncertain significance. Review status: criteria provided, multiple submitters, no conflicts (2 of 4 stars). 2 submissions from 2 submitters: Uncertain significance (2). Last evaluated 2025-04-20.

Conditions:
Inborn genetic diseases. Identifiers: MedGen C0950123, MeSH D030342.

Submissions (2):

Ambry Genetics
Classification: Uncertain significance for Inborn genetic diseases. Last evaluated: 2025-04-20. Review status: criteria provided, single submitter. Criteria: Ambry Variant Classification Scheme 2023. Collection method: clinical testing. Allele origin: germline.
Comment: The p.G82R variant (also known as c.244G>C), located in coding exon 1 of the KDM1A gene, results from a G to C substitution at nucleotide position 244. The glycine at codon 82 is replaced by arginine, an amino acid with dissimilar properties. This amino acid position is conserved. In addition, this alteration is predicted to be tolerated by in silico analysis. Based on the available evidence, the clinical significance of this variant remains unclear.

Labcorp Genetics (formerly Invitae), Labcorp
Classification: Uncertain significance. Last evaluated: 2022-05-15. Review status: criteria provided, single submitter. Criteria: Invitae Variant Classification Sherloc (09022015). Collection method: clinical testing. Allele origin: germline.
Comment: In summary, the available evidence is currently insufficient to determine the role of this variant in disease. Therefore, it has been classified as a Variant of Uncertain Significance. Algorithms developed to predict the effect of missense changes on protein structure and function (SIFT, PolyPhen-2, Align-GVGD) all suggest that this variant is likely to be tolerated. This variant has not been reported in the literature in individuals affected with KDM1A-related conditions. This variant is not present in population databases (gnomAD no frequency). This sequence change replaces glycine, which is neutral and non-polar, with arginine, which is basic and polar, at codon 82 of the KDM1A protein (p.Gly82Arg).